The following is an entry in ClinVar:

NM_002458.3(MUC5B):c.6212T>G (p.Leu2071Arg)

Genes: MUC5B (mucin 5B, oligomeric mucus/gel-forming; plus strand), MUC5B-AS1 (MUC5B antisense RNA 1; minus strand). Cytogenetic location: 11p15.5.
Variant type: single nucleotide variant.
Coding change: c.6212T>G on transcript NM_002458.3 (MANE Select); coding-DNA position 6212, T replaced by G.
Protein change: p.Leu2071Arg; replaces leucine 2071 with arginine.
Molecular consequence: missense variant.
Genome position (GRCh38, 1-based): chr11:1,243,092, T>G. VCF-style: chr11-1243092-T-G. GRCh37 (hg19) VCF-style: chr11-1264322-T-G.
Other names: c.6212T>G (NM_002458.2); short protein forms L2071R.
Identifiers: ClinVar variation 3388535 (VCV003388535.15).

ClinVar aggregate classification (germline): Conflicting classifications of pathogenicity. Review status: criteria provided, conflicting classifications (1 of 4 stars). 2 submissions from 2 submitters: Uncertain significance (1); Likely benign (1). Last evaluated 2025-08-08.

Submissions (2):

Ambry Genetics
Classification: Uncertain significance. Last evaluated: 2025-08-08. Review status: criteria provided, single submitter. Criteria: Ambry Variant Classification Scheme 2023. Collection method: clinical testing. Allele origin: germline.

CeGaT Center for Human Genetics Tuebingen
Classification: Likely benign. Last evaluated: 2024-10-01. Review status: criteria provided, single submitter. Criteria: CeGaT Center For Human Genetics Tuebingen Variant Classification Criteria Version 2. Collection method: clinical testing. Allele origin: germline. Affected: yes. Observed: 1 variant allele.
Comment: MUC5B: BP4, BS1